The following is an entry in ClinVar:

NM_031272.5(TEX14):c.1384G>T (p.Val462Leu)

Gene: TEX14 (testis expressed 14, intercellular bridge forming factor; minus strand). Cytogenetic location: 17q22.
Variant type: single nucleotide variant.
Coding change: c.1384G>T on transcript NM_031272.5 (MANE Select); coding-DNA position 1384, G replaced by T.
Protein change: p.Val462Leu; replaces valine 462 with leucine.
Molecular consequence: missense variant.
Genome position (GRCh38, 1-based): chr17:58,602,543, C>A on the plus strand (G>T on the coding strand, the complement: TEX14 is on the minus strand). VCF-style: chr17-58602543-C-A. GRCh37 (hg19) VCF-style: chr17-56679904-C-A.
Other names: c.1402G>T, p.Val468Leu (NM_001201457.2); c.1384G>T, p.Val462Leu (NM_198393.4); short protein forms V462L, V468L.
Identifiers: ClinVar variation 732060 (VCV000732060.5), dbSNP rs34960869, ClinGen allele CA8676390.

ClinVar aggregate classification (germline): Benign. Review status: criteria provided, single submitter (1 of 4 stars). 2 submissions from 2 submitters: Benign (1). 1 of the submissions does not count toward it. Last evaluated 2018-03-29.

Conditions:
TEX14-related disorder. Also called: TEX14-related condition.

Allele frequency attached by ClinVar (database versions not stated): TOPMed 0.00071; 1000 Genomes Project 0.00240; 1000 Genomes Project 30x 0.00250.
gnomAD v4.1: 322 of 1,613,934 alleles (0.02%); highest among the groups gnomAD compares: East Asian, 0.66%; 1 homozygote.

Submissions (2):

Labcorp Genetics (formerly Invitae), Labcorp
Classification: Benign. Last evaluated: 2018-03-29. Review status: criteria provided, single submitter. Criteria: Invitae Variant Classification Sherloc (09022015). Collection method: clinical testing. Allele origin: germline.

PreventionGenetics, part of Exact Sciences
Classification: Benign for TEX14-related condition. Last evaluated: 2019-08-21. Review status: no assertion criteria provided. Collection method: clinical testing. Allele origin: germline. Not counted in ClinVar's aggregate classification.
Comment: This variant is classified as benign based on ACMG/AMP sequence variant interpretation guidelines (Richards et al. 2015 PMID: 25741868, with internal and published modifications).